The following is an entry in ClinVar:

ClinVar aggregate classification (germline): Uncertain significance (1 of 4 stars; one submission).

Submission:

GeneDx
Classification: Uncertain significance. Last evaluated: 2023-04-22. Review status: criteria provided, single submitter. Criteria: GeneDx Variant Classification Process June 2021. Collection method: clinical testing. Allele origin: germline. Affected: yes.
Comment: Not observed at significant frequency in large population cohorts (gnomAD); In silico analysis supports that this missense variant does not alter protein structure/function; Has not been previously published as pathogenic or benign to our knowledge

NM_006908.5(RAC1):c.40G>A (p.Val14Ile)

Gene: RAC1 (Rac family small GTPase 1; plus strand). Cytogenetic location: 7p22.1.
Variant type: single nucleotide variant.
Coding change: c.40G>A on transcript NM_006908.5 (MANE Select); coding-DNA position 40, G replaced by A.
Protein change: p.Val14Ile; replaces valine 14 with isoleucine.
Molecular consequence: missense variant.
Genome position (GRCh38, 1-based): chr7:6,387,216, G>A. VCF-style: chr7-6387216-G-A. GRCh37 (hg19) VCF-style: chr7-6426847-G-A.
Other names: c.40G>A, p.Val14Ile (NM_018890.4); short protein forms V14I.
Identifiers: ClinVar variation 2663683 (VCV002663683.1), dbSNP rs2115193022, ClinGen allele CA366759845.